The following is an entry in ClinVar:

ClinVar aggregate classification (germline): Uncertain significance. Review status: criteria provided, multiple submitters, no conflicts (2 of 4 stars). 2 submissions from 2 submitters: Uncertain significance (2). Last evaluated 2025-12-06.

Conditions:
Inborn genetic diseases. Identifiers: MedGen C0950123, MeSH D030342.

Allele frequency attached by ClinVar (database versions not stated): gnomAD 0.00001; TOPMed 0.00001; gnomAD exomes 0.00003.
gnomAD v4.1: 45 of 1,612,992 alleles (0.0028%); highest among the groups gnomAD compares: Middle Eastern, 0.016%; no homozygotes.

Submissions (2):

Labcorp Genetics (formerly Invitae), Labcorp
Classification: Uncertain significance. Last evaluated: 2025-12-06. Review status: criteria provided, single submitter. Criteria: Invitae Variant Classification Sherloc (09022015). Collection method: clinical testing. Allele origin: germline.
Comment: This sequence change replaces proline, which is neutral and non-polar, with alanine, which is neutral and non-polar, at codon 323 of the SLC26A3 protein (p.Pro323Ala). This variant is present in population databases (no rsID available, gnomAD 0.007%). This variant has not been reported in the literature in individuals affected with SLC26A3-related conditions. ClinVar contains an entry for this variant (Variation ID: 1371378). Invitae Evidence Modeling of protein sequence and biophysical properties (such as structural, functional, and spatial information, amino acid conservation, physicochemical variation, residue mobility, and thermodynamic stability) indicates that this missense variant is not expected to disrupt SLC26A3 protein function with a negative predictive value of 80%. In summary, the available evidence is currently insufficient to determine the role of this variant in disease. Therefore, it has been classified as a Variant of Uncertain Significance.

Ambry Genetics
Classification: Uncertain significance for Inborn genetic diseases. Last evaluated: 2025-08-22. Review status: criteria provided, single submitter. Criteria: Ambry Variant Classification Scheme 2023. Collection method: clinical testing. Allele origin: germline.

NM_000111.3(SLC26A3):c.967C>G (p.Pro323Ala)

Gene: SLC26A3 (solute carrier family 26 member 3; minus strand). Cytogenetic location: 7q22.3.
Variant type: single nucleotide variant.
Coding change: c.967C>G on transcript NM_000111.3 (MANE Select); coding-DNA position 967, C replaced by G.
Protein change: p.Pro323Ala; replaces proline 323 with alanine.
Molecular consequence: missense variant.
Genome position (GRCh38, 1-based): chr7:107,786,831, G>C on the plus strand (C>G on the coding strand, the complement: SLC26A3 is on the minus strand). VCF-style: chr7-107786831-G-C. GRCh37 (hg19) VCF-style: chr7-107427276-G-C.
Other names: c.967C>G (NM_000111.2); short protein forms P323A.
Identifiers: ClinVar variation 1371378 (VCV001371378.5), dbSNP rs1472129810, ClinGen allele CA368852394.